The following is an entry in ClinVar:

ClinVar aggregate classification (germline): Uncertain significance. Review status: criteria provided, multiple submitters, no conflicts (2 of 4 stars). 2 submissions from 2 submitters: Uncertain significance (2). Last evaluated 2026-04-03.

Conditions:
PNPT1-related disorder. Also called: PNPT1-related condition; PNPT1-related disorders.

gnomAD v4.1: 2 of 1,611,576 alleles (0.00012%); highest among the groups gnomAD compares: East Asian, 0.0022%; no homozygotes.

Submissions (2):

PreventionGenetics, part of Exact Sciences
Classification: Uncertain significance for PNPT1-related condition. Last evaluated: 2026-04-03. Review status: criteria provided, single submitter. Criteria: ACMG Guidelines, 2015. Collection method: clinical testing. Allele origin: germline.
Comment: The PNPT1 c.1849C>G variant is predicted to result in the amino acid substitution p.Arg617Gly. To our knowledge, this variant has not been reported in the literature or in a large population database, indicating this variant is rare. At this time, the clinical significance of this variant is uncertain due to the absence of conclusive functional and genetic evidence.

Labcorp Genetics (formerly Invitae), Labcorp
Classification: Uncertain significance. Last evaluated: 2021-12-13. Review status: criteria provided, single submitter. Criteria: Invitae Variant Classification Sherloc (09022015). Collection method: clinical testing. Allele origin: germline.
Comment: This sequence change replaces arginine, which is basic and polar, with glycine, which is neutral and non-polar, at codon 617 of the PNPT1 protein (p.Arg617Gly). This variant is present in population databases (no rsID available, gnomAD no frequency). This variant has not been reported in the literature in individuals affected with PNPT1-related conditions. Advanced modeling of protein sequence and biophysical properties (such as structural, functional, and spatial information, amino acid conservation, physicochemical variation, residue mobility, and thermodynamic stability) performed at Invitae indicates that this missense variant is expected to disrupt PNPT1 protein function. Algorithms developed to predict the effect of sequence changes on RNA splicing suggest that this variant may create or strengthen a splice site. In summary, the available evidence is currently insufficient to determine the role of this variant in disease. Therefore, it has been classified as a Variant of Uncertain Significance.

NM_033109.5(PNPT1):c.1849C>G (p.Arg617Gly)

Gene: PNPT1 (polyribonucleotide nucleotidyltransferase 1; minus strand). Cytogenetic location: 2p16.1.
Variant type: single nucleotide variant.
Coding change: c.1849C>G on transcript NM_033109.5 (MANE Select); coding-DNA position 1849, C replaced by G.
Protein change: p.Arg617Gly; replaces arginine 617 with glycine.
Molecular consequence: missense variant.
Genome position (GRCh38, 1-based): chr2:55,644,694, G>C on the plus strand (C>G on the coding strand, the complement: PNPT1 is on the minus strand). VCF-style: chr2-55644694-G-C. GRCh37 (hg19) VCF-style: chr2-55871829-G-C.
Other names: c.1849C>G (NM_033109.4); short protein forms R617G.
Identifiers: ClinVar variation 1951491 (VCV001951491.4), dbSNP rs992877769, ClinGen allele CA47650733.